The following is an entry in ClinVar:

ClinVar aggregate classification (germline): Likely benign (1 of 4 stars; one submission).

Allele frequency attached by ClinVar (database versions not stated): TOPMed 0.00037; gnomAD exomes 0.00051; gnomAD 0.00058; 1000 Genomes Project 30x 0.00141; 1000 Genomes Project 0.00160.
gnomAD v4.1: 90 of 154,350 alleles (0.058%); highest among the groups gnomAD compares: South Asian, 1%; 1 homozygote.

Submission:

CeGaT Center for Human Genetics Tuebingen
Classification: Likely benign. Last evaluated: 2023-01-01. Review status: criteria provided, single submitter. Criteria: CeGaT Center For Human Genetics Tuebingen Variant Classification Criteria Version 2. Collection method: clinical testing. Allele origin: germline. Affected: yes. Observed: 1 variant allele.
Comment: COMT: BS1

NM_000754.4(COMT):c.*578G>A

Genes: ARVCF (ARVCF delta catenin family member; minus strand), COMT (catechol-O-methyltransferase; plus strand). Cytogenetic location: 22q11.21.
Variant type: single nucleotide variant.
Coding change: c.*578G>A on transcript NM_000754.4 (MANE Select); 578 bases downstream of the stop codon, G replaced by A.
Molecular consequence: 3 prime UTR variant.
Genome position (GRCh38, 1-based): chr22:19,969,314, G>A. VCF-style: chr22-19969314-G-A. GRCh37 (hg19) VCF-style: chr22-19956837-G-A.
Other names: c.*578G>A (NM_001135161.2, NM_001135162.2, NM_001362828.2 and 1 more transcripts).
Identifiers: ClinVar variation 2652873 (VCV002652873.24), dbSNP rs551937723, ClinGen allele CA322124517.